The following is an entry in ClinVar:

NM_000061.3(BTK):c.1102G>T (p.Gly368Ter)

Gene: BTK (Bruton tyrosine kinase; minus strand). Cytogenetic location: Xq22.1.
Variant type: single nucleotide variant.
Coding change: c.1102G>T on transcript NM_000061.3 (MANE Select); coding-DNA position 1102, G replaced by T.
Protein change: p.Gly368Ter; replaces glycine 368 with a stop codon.
Molecular consequence: nonsense. On other transcripts: intron variant (1).
Genome position (GRCh38, 1-based): chrX:101,358,310, C>A on the plus strand (G>T on the coding strand, the complement: BTK is on the minus strand). VCF-style: chrX-101358310-C-A. GRCh37 (hg19) VCF-style: chrX-100613298-C-A.
Other names: c.1204G>T, p.Gly402Ter (NM_001287344.2); c.1038+64G>T (NM_001287345.2); short protein forms G368*, G402*.
Identifiers: ClinVar variation 1071573 (VCV001071573.8), dbSNP rs2147429777, ClinGen allele CA413927460.

ClinVar aggregate classification (germline): Pathogenic (1 of 4 stars; one submission).

Conditions:
X-linked agammaglobulinemia with growth hormone deficiency (IGHD3). Also called: Isolated growth hormone deficiency type 3; Growth hormone deficiency with hypogammaglobulinemia; AGAMMAGLOBULINEMIA AND ISOLATED GROWTH HORMONE DEFICIENCY, X-LINKED; ISOLATED GROWTH HORMONE DEFICIENCY, TYPE III, WITH AGAMMAGLOBULINEMIA; FLEISHER SYNDROME; HYPOGAMMAGLOBULINEMIA AND ISOLATED GROWTH HORMONE DEFICIENCY, X-LINKED. Identifiers: Orphanet 231692, Orphanet 631, MedGen C0472813, MONDO:0010615, OMIM 307200.

Submissions (2):

Labcorp Genetics (formerly Invitae), Labcorp
Classification: Pathogenic for X-linked agammaglobulinemia with growth hormone deficiency. Last evaluated: 2021-08-12. Review status: criteria provided, single submitter. Criteria: Invitae Variant Classification Sherloc (09022015). Collection method: clinical testing. Allele origin: germline.
Comment: This sequence change creates a premature translational stop signal (p.Gly368*) in the BTK gene. It is expected to result in an absent or disrupted protein product. Loss-of-function variants in BTK are known to be pathogenic (PMID: 15661032, 16862044, 19419768). This variant is not present in population databases (ExAC no frequency). This premature translational stop signal has been observed in individual(s) with X-linked agammaglobulinemia (PMID: 15661032). ClinVar contains an entry for this variant (Variation ID: 1071573). Algorithms developed to predict the effect of sequence changes on RNA splicing suggest that this variant may disrupt the consensus splice site. For these reasons, this variant has been classified as Pathogenic.

Dr. Peter K. Rogan Lab, Western University
No classification provided (evidence only). Condition: Thyroid cancer, nonmedullary, 1. Review status: no classification provided. Collection method: in vitro. Allele origin: not applicable. Functional consequence: retained intron. Not counted in ClinVar's aggregate classification.

Literature cited by the submitters: PubMed 15661032 (cited by Labcorp Genetics (formerly Invitae), Labcorp); PubMed 16862044 (cited by Labcorp Genetics (formerly Invitae), Labcorp); PubMed 19419768 (cited by Labcorp Genetics (formerly Invitae), Labcorp).